The following is an entry in ClinVar:

NM_001110556.2(FLNA):c.260A>G (p.Lys87Arg)

Gene: FLNA (filamin A; minus strand). Cytogenetic location: Xq28.
Variant type: single nucleotide variant.
Coding change: c.260A>G on transcript NM_001110556.2 (MANE Select); coding-DNA position 260, A replaced by G.
Protein change: p.Lys87Arg; replaces lysine 87 with arginine.
Molecular consequence: missense variant.
Genome position (GRCh38, 1-based): chrX:154,370,986, T>C on the plus strand (A>G on the coding strand, the complement: FLNA is on the minus strand). VCF-style: chrX-154370986-T-C. GRCh37 (hg19) VCF-style: chrX-153599354-T-C.
Other names: c.260A>G, p.Lys87Arg (NM_001456.4); short protein forms K87R.
Identifiers: ClinVar variation 4789607 (VCV004789607.1).

ClinVar aggregate classification (germline): Uncertain significance (1 of 4 stars; one submission).

Conditions:
Heterotopia, periventricular, X-linked dominant (PVNH1). Also called: PERIVENTRICULAR NODULAR HETEROTOPIA 4; HETEROTOPIA, PERIVENTRICULAR, 1; PERIVENTRICULAR NODULAR HETEROTOPIA 1; X-linked periventricular heterotopia. Identifiers: Orphanet 2149, Orphanet 82004, MedGen C1848213, MONDO:0010233, OMIM 300049.
Oto-palato-digital syndrome, type II (OPD2). Also called: Otopalatodigital Syndrome, Type II; FACIOPALATOOSSEOUS SYNDROME; OPD II SYNDROME; Otopalatodigital Syndrome Type 2 (FLNA-OPD2). Identifiers: Orphanet 669, Orphanet 90652, MedGen C1844696, MONDO:0010571, OMIM 304120.
Melnick-Needles syndrome (MNS). Also called: MELNICK-NEEDLES OSTEODYSPLASTY; OSTEODYSPLASTY OF MELNICK AND NEEDLES; Melnick-Needles Syndrome (FLNA-MNS). Identifiers: Orphanet 2484, MedGen C0025237, MONDO:0010650, OMIM 309350.
Frontometaphyseal dysplasia (FMD1). Identifiers: Orphanet 1826, MedGen C0265293, MONDO:0015942.

Submission:

Labcorp Genetics (formerly Invitae), Labcorp
Classification: Uncertain significance for Oto-palato-digital syndrome, type II; Heterotopia, periventricular, X-linked dominant; Frontometaphyseal dysplasia; Melnick-Needles syndrome. Last evaluated: 2025-09-01. Review status: criteria provided, single submitter. Criteria: Invitae Variant Classification Sherloc (09022015). Collection method: clinical testing. Allele origin: germline.
Comment: This sequence change replaces lysine, which is basic and polar, with arginine, which is basic and polar, at codon 87 of the FLNA protein (p.Lys87Arg). This variant is not present in population databases (gnomAD no frequency). This variant has not been reported in the literature in individuals affected with FLNA-related conditions. Invitae Evidence Modeling of protein sequence and biophysical properties (such as structural, functional, and spatial information, amino acid conservation, physicochemical variation, residue mobility, and thermodynamic stability) has been performed for this missense variant. However, the output from this modeling did not meet the statistical confidence thresholds required to predict the impact of this variant on FLNA protein function. In summary, the available evidence is currently insufficient to determine the role of this variant in disease. Therefore, it has been classified as a Variant of Uncertain Significance.